The following is an entry in ClinVar:

ClinVar aggregate classification (germline): Pathogenic (1 of 4 stars; one submission).

Conditions:
ADNP-related multiple congenital anomalies - intellectual disability - autism spectrum disorder. Also called: ADNP-Related Helsmoortel-Van der Aa Syndrome; Helsmoortel-Van der Aa Syndrome. Identifiers: Orphanet 404448, MedGen C4014538, MONDO:0014379, OMIM 615873. Disease mechanism: loss of function.

Submission:

GeneDx
Classification: Pathogenic. Last evaluated: 2021-08-19. Review status: criteria provided, single submitter. Criteria: GeneDx Variant Classification Process June 2021. Collection method: clinical testing. Allele origin: germline. Affected: yes.
Comment: Nonsense variant in the C-terminus predicted to result in protein truncation, as the last 365 amino acids are lost, and other loss-of-function variants have been reported downstream in the Human Gene Mutation Database (Stenson et al., 2014); Not observed at significant frequency in large population cohorts (Lek et al., 2016); This variant is associated with the following publications: (PMID: 28221363, 32758449, 29724491)

NM_001282531.3(ADNP):c.2213C>A (p.Ser738Ter)

Gene: ADNP (activity dependent neuroprotector homeobox; minus strand). Cytogenetic location: 20q13.13.
Variant type: single nucleotide variant.
Coding change: c.2213C>A on transcript NM_001282531.3 (MANE Select); coding-DNA position 2213, C replaced by A.
Protein change: p.Ser738Ter; replaces serine 738 with a stop codon.
Molecular consequence: nonsense.
Genome position (GRCh38, 1-based): chr20:50,892,501, G>T on the plus strand (C>A on the coding strand, the complement: ADNP is on the minus strand). VCF-style: chr20-50892501-G-T. GRCh37 (hg19) VCF-style: chr20-49509038-G-T.
Other names: c.2213C>A, p.Ser738Ter (NM_015339.5, NM_181442.4, NM_001282532.2 and 1 more transcripts); short protein forms S738*.
Identifiers: ClinVar variation 984838 (VCV000984838.4), dbSNP rs779340209, ClinGen allele CA408970954.